The following is an entry in ClinVar:

GRCh38/hg38 9p24.3(chr9:336687-869950)x3

Genes: DMRT1 (doublesex and mab-3 related transcription factor 1; plus strand), DOCK8 (dedicator of cytokinesis 8; plus strand), KANK1 (KN motif and ankyrin repeat domains 1; plus strand), KANK1-AS1 (KANK1 antisense RNA 1; minus strand), LOC124210605 (Sharpr-MPRA regulatory region 15053; plus strand) and 7 more. Cytogenetic location: 9p24.3.
Variant type: copy number gain.
Change: copy number 3 (three copies instead of two) of chr9:336,687-869,950 (533.3 kb, GRCh38 coordinates, 1-based), cytogenetic band 9p24.3.
Identifiers: ClinVar variation 4796072 (VCV004796072.1).

ClinVar aggregate classification (germline): Uncertain significance (1 of 4 stars; one submission).

Submission:

Medical Genetic Center, Changzhi Maternal and Child Health Care Hospital
Classification: Uncertain significance. Last evaluated: 2025-12-10. Review status: criteria provided, single submitter. Criteria: ACMG/ClinGen CNV Guidelines, 2019. Collection method: clinical testing. Allele origin: unknown.
Comment: 1A(0)+3A(0):DOCK8 partial (NM_203447.4, exon 15-48) and KANK1 duplication